The following is an entry in ClinVar:

NM_001844.5(COL2A1):c.2902G>A (p.Glu968Lys)

Gene: COL2A1 (collagen type II alpha 1 chain; minus strand). Cytogenetic location: 12q13.11.
Variant type: single nucleotide variant.
Coding change: c.2902G>A on transcript NM_001844.5 (MANE Select); coding-DNA position 2902, G replaced by A.
Protein change: p.Glu968Lys; replaces glutamic acid 968 with lysine.
Molecular consequence: missense variant.
Genome position (GRCh38, 1-based): chr12:47,978,392, C>T on the plus strand (G>A on the coding strand, the complement: COL2A1 is on the minus strand). VCF-style: chr12-47978392-C-T. GRCh37 (hg19) VCF-style: chr12-48372175-C-T.
Other names: c.2695G>A, p.Glu899Lys (NM_033150.3); short protein forms E899K, E968K.
Identifiers: ClinVar variation 954211 (VCV000954211.11), dbSNP rs144572461, ClinGen allele CA6534949.
Genomic context (GRCh38, chr12:47,978,392, plus strand): 5'-GCCCAGGCAGACCGACGATGCCTCTCTGACCAGCCAGACCCTGGGGACCTGGTGGACCTT[C>T]GGCACCCTGAGAGAGGAGAGGCAGGAGATGAGAACTGACAGTGGCCCAGCCTCTTCTGTC-3'
Protein context (NP_001835.3, residues 958-978): EPGDDGPSGA[Glu968Lys]GPPGPQGLAG

ClinVar aggregate classification (germline): Conflicting classifications of pathogenicity. Review status: criteria provided, conflicting classifications (1 of 4 stars). 3 submissions from 3 submitters: Uncertain significance (2); Benign (1). Last evaluated 2025-12-11.

Conditions:
Inborn genetic diseases. Identifiers: MedGen C0950123, MeSH D030342.

Allele frequency attached by ClinVar (database versions not stated): ExAC 0.00002; gnomAD exomes 0.00002 and 0.00003; gnomAD 0.00006 and 0.00008; TOPMed 0.00006; ESP Exome Variant Server 0.00015.

Submissions (3):

Labcorp Genetics (formerly Invitae), Labcorp
Classification: Benign. Last evaluated: 2025-12-11. Review status: criteria provided, single submitter. Criteria: Invitae Variant Classification Sherloc (09022015). Collection method: clinical testing. Allele origin: germline.

Ambry Genetics
Classification: Uncertain significance for Inborn genetic diseases. Last evaluated: 2025-08-23. Review status: criteria provided, single submitter. Criteria: Ambry Variant Classification Scheme 2023. Collection method: clinical testing. Allele origin: germline.

GeneDx
Classification: Uncertain significance. Last evaluated: 2025-01-23. Review status: criteria provided, single submitter. Criteria: GeneDx Variant Classification Process June 2021. Collection method: clinical testing. Allele origin: germline. Affected: yes.
Comment: In silico analysis indicates that this missense variant does not alter protein structure/function; Occurs in the triple helical domain at the Y position in the canonical Gly-X-Y repeat; although this variant may have an effect on normal protein folding and function, missense substitution at the Y position is not a common mechanism of disease (HGMD); Has not been previously published as pathogenic or benign to our knowledge